The following is an entry in ClinVar:

NM_001042492.3(NF1):c.36C>A (p.Ala12=)

Genes: MIR4733HG (MIR4733 host gene; minus strand), NF1 (neurofibromin 1; plus strand), LOC111811965 (NF1 (neurofibromin 1) promoter region; plus strand). Cytogenetic location: 17q11.2.
Variant type: single nucleotide variant.
Coding change: c.36C>A on transcript NM_001042492.3 (MANE Select); coding-DNA position 36, C replaced by A.
Protein change: p.Ala12=; no amino-acid change (alanine 12 retained).
Molecular consequence: synonymous variant. On other transcripts: non-coding transcript variant (1).
Genome position (GRCh38, 1-based): chr17:31,095,345, C>A. VCF-style: chr17-31095345-C-A. GRCh37 (hg19) VCF-style: chr17-29422363-C-A.
Other names: c.36C>A, p.Ala12= (NM_000267.4, NM_001128147.3).
Identifiers: ClinVar variation 527624 (VCV000527624.9), dbSNP rs786203866, ClinGen allele CA499197511.

ClinVar aggregate classification (germline): Benign/Likely benign. Review status: criteria provided, multiple submitters, no conflicts (2 of 4 stars). 2 submissions from 2 submitters: Benign (1); Likely benign (1). Last evaluated 2026-05-14.

Conditions:
Neurofibromatosis, type 1 (NF1). Also called: Neurofibromatosis, type I; NEUROFIBROMATOSIS, TYPE I, SOMATIC; Peripheral type neurofibromatosis; VON RECKLINGHAUSEN DISEASE. Identifiers: Orphanet 636, MedGen C0027831, MONDO:0018975, OMIM 162200. Disease mechanism: loss of function.

Submissions (2):

Myriad Genetics, Inc.
Classification: Benign for Neurofibromatosis, type 1. Last evaluated: 2026-05-14. Review status: criteria provided, single submitter. Criteria: Myriad Autosomal Dominant, Autosomal Recessive and X-Linked Classification Criteria (2023). Collection method: clinical testing. Allele origin: unknown.
Comment: This variant is considered benign. This variant is a silent/synonymous amino acid change and it is not expected to impact splicing.

Labcorp Genetics (formerly Invitae), Labcorp
Classification: Likely benign for Neurofibromatosis, type 1. Last evaluated: 2025-12-13. Review status: criteria provided, single submitter. Criteria: Invitae Variant Classification Sherloc (09022015). Collection method: clinical testing. Allele origin: germline.